The following is an entry in ClinVar:

ClinVar aggregate classification (germline): Uncertain significance (1 of 4 stars; one submission).

Conditions:
Hereditary cancer-predisposing syndrome. Also called: Hereditary Cancer Syndrome; Tumor predisposition; Hereditary neoplastic syndrome; Neoplastic Syndromes, Hereditary. Identifiers: Orphanet 140162, MedGen C0027672, MeSH D009386, MONDO:0015356.

gnomAD v4.1: 1 of 1,614,210 alleles (0.000062%); highest among the groups gnomAD compares: East Asian, 0.0022%; no homozygotes.

Submission:

Ambry Genetics
Classification: Uncertain significance for Hereditary cancer-predisposing syndrome. Last evaluated: 2024-05-28. Review status: criteria provided, single submitter. Criteria: Ambry Variant Classification Scheme 2023. Collection method: clinical testing. Allele origin: germline.
Comment: The p.I717M variant (also known as c.2151C>G), located in coding exon 11 of the BARD1 gene, results from a C to G substitution at nucleotide position 2151. The isoleucine at codon 717 is replaced by methionine, an amino acid with highly similar properties. This amino acid position is not well conserved in available vertebrate species. In addition, this alteration is predicted to be tolerated by in silico analysis. Based on the available evidence, the clinical significance of this variant remains unclear.

NM_000465.4(BARD1):c.2151C>G (p.Ile717Met)

Gene: BARD1 (BRCA1 associated RING domain 1; minus strand). Cytogenetic location: 2q35.
Variant type: single nucleotide variant.
Coding change: c.2151C>G on transcript NM_000465.4 (MANE Select); coding-DNA position 2151, C replaced by G.
Protein change: p.Ile717Met; replaces isoleucine 717 with methionine.
Molecular consequence: missense variant. On other transcripts: non-coding transcript variant (3).
Genome position (GRCh38, 1-based): chr2:214,728,859, G>C on the plus strand (C>G on the coding strand, the complement: BARD1 is on the minus strand). VCF-style: chr2-214728859-G-C. GRCh37 (hg19) VCF-style: chr2-215593583-G-C.
Other names: c.2094C>G, p.Ile698Met (NM_001282543.2); c.798C>G, p.Ile266Met (NM_001282545.2); c.741C>G, p.Ile247Met (NM_001282548.2); c.612C>G, p.Ile204Met (NM_001282549.2); short protein forms I247M, I698M, I204M, I717M, I266M.
Identifiers: ClinVar variation 3260443 (VCV003260443.1).